The following is an entry in ClinVar:

ClinVar aggregate classification (germline): Uncertain significance. Review status: criteria provided, multiple submitters, no conflicts (2 of 4 stars). 2 submissions from 2 submitters: Uncertain significance (2). Last evaluated 2025-05-07.

Conditions:
Inborn genetic diseases. Identifiers: MedGen C0950123, MeSH D030342.
Hyperekplexia 3 (HKPX3). Also called: HYPEREKPLEXIA 3, AUTOSOMAL RECESSIVE; HYPEREKPLEXIA 3, AUTOSOMAL DOMINANT. Identifiers: Orphanet 3197, MedGen C3553288, MONDO:0013827, OMIM 614618.

Allele frequency attached by ClinVar (database versions not stated): gnomAD 0.00002; gnomAD exomes 0.00003; TOPMed 0.00003; ExAC 0.00004.
gnomAD v4.1: 8 of 1,614,032 alleles (0.0005%); highest among the groups gnomAD compares: East Asian, 0.016%; no homozygotes.

Submissions (2):

Ambry Genetics
Classification: Uncertain significance for Inborn genetic diseases. Last evaluated: 2025-05-07. Review status: criteria provided, single submitter. Criteria: Ambry Variant Classification Scheme 2023. Collection method: clinical testing. Allele origin: germline.

Labcorp Genetics (formerly Invitae), Labcorp
Classification: Uncertain significance for Hyperekplexia 3. Last evaluated: 2022-08-16. Review status: criteria provided, single submitter. Criteria: Invitae Variant Classification Sherloc (09022015). Collection method: clinical testing. Allele origin: germline.
Comment: This sequence change replaces isoleucine, which is neutral and non-polar, with phenylalanine, which is neutral and non-polar, at codon 278 of the SLC6A5 protein (p.Ile278Phe). This variant is present in population databases (rs773625816, gnomAD 0.04%). This variant has not been reported in the literature in individuals affected with SLC6A5-related conditions. ClinVar contains an entry for this variant (Variation ID: 1345167). In summary, the available evidence is currently insufficient to determine the role of this variant in disease. Therefore, it has been classified as a Variant of Uncertain Significance.

NM_004211.5(SLC6A5):c.832A>T (p.Ile278Phe)

Gene: SLC6A5 (solute carrier family 6 member 5; plus strand). Cytogenetic location: 11p15.1.
Variant type: single nucleotide variant.
Coding change: c.832A>T on transcript NM_004211.5 (MANE Select); coding-DNA position 832, A replaced by T.
Protein change: p.Ile278Phe; replaces isoleucine 278 with phenylalanine.
Molecular consequence: missense variant.
Genome position (GRCh38, 1-based): chr11:20,607,499, A>T. VCF-style: chr11-20607499-A-T. GRCh37 (hg19) VCF-style: chr11-20629045-A-T.
Other names: c.832A>T (NM_004211.3); c.130A>T, p.Ile44Phe (NM_001318369.2); short protein forms I44F, I278F.
Identifiers: ClinVar variation 1345167 (VCV001345167.6), dbSNP rs773625816, ClinGen allele CA5921233.